The following is an entry in ClinVar:

ClinVar aggregate classification (germline): Uncertain significance (1 of 4 stars; one submission).

Conditions:
Limb-girdle muscular dystrophy due to POMK deficiency. Also called: MUSCULAR DYSTROPHY-DYSTROGLYCANOPATHY, LIMB-GIRDLE, POMK-RELATED; Muscular dystrophy-dystroglycanopathy (limb-girdle), type c, 12. Identifiers: Orphanet 445110, MedGen C4015184, MONDO:0014489, OMIM 616094.
Muscular dystrophy-dystroglycanopathy (congenital with brain and eye anomalies), type a, 12 (MDDGA12). Also called: WALKER-WARBURG SYNDROME OR MUSCLE-EYE-BRAIN DISEASE, POMK-RELATED. Identifiers: Orphanet 899, MedGen C3808964, MONDO:0014101, OMIM 615249.

Allele frequency attached by ClinVar (database versions not stated): ExAC 0.00001; gnomAD exomes 0.00001 and 0.00003; gnomAD 0.00002; TOPMed 0.00003.

Submission:

Labcorp Genetics (formerly Invitae), Labcorp
Classification: Uncertain significance for Muscular dystrophy-dystroglycanopathy (congenital with brain and eye anomalies), type a, 12; Limb-girdle muscular dystrophy due to POMK deficiency. Last evaluated: 2023-11-27. Review status: criteria provided, single submitter. Criteria: Invitae Variant Classification Sherloc (09022015). Collection method: clinical testing. Allele origin: germline.
Comment: This sequence change replaces proline, which is neutral and non-polar, with serine, which is neutral and polar, at codon 19 of the POMK protein (p.Pro19Ser). This variant is present in population databases (rs754284268, gnomAD 0.003%). This variant has not been reported in the literature in individuals affected with POMK-related conditions. ClinVar contains an entry for this variant (Variation ID: 966592). Advanced modeling of protein sequence and biophysical properties (such as structural, functional, and spatial information, amino acid conservation, physicochemical variation, residue mobility, and thermodynamic stability) performed at Invitae indicates that this missense variant is not expected to disrupt POMK protein function with a negative predictive value of 80%. In summary, the available evidence is currently insufficient to determine the role of this variant in disease. Therefore, it has been classified as a Variant of Uncertain Significance.

NM_032237.5(POMK):c.55C>T (p.Pro19Ser)

Gene: POMK (protein O-mannose kinase; plus strand). Cytogenetic location: 8p11.21.
Variant type: single nucleotide variant.
Coding change: c.55C>T on transcript NM_032237.5 (MANE Select); coding-DNA position 55, C replaced by T.
Protein change: p.Pro19Ser; replaces proline 19 with serine.
Molecular consequence: missense variant.
Genome position (GRCh38, 1-based): chr8:43,103,603, C>T. VCF-style: chr8-43103603-C-T. GRCh37 (hg19) VCF-style: chr8-42958746-C-T.
Other names: c.55C>T, p.Pro19Ser (NM_001277971.2); short protein forms P19S.
Identifiers: ClinVar variation 966592 (VCV000966592.6), dbSNP rs754284268, ClinGen allele CA4736186.